The following is an entry in ClinVar:

NC_000015.9:g.(?_28211816)_(28211988_?)del

Gene: OCA2 (OCA2 melanosomal transmembrane protein; minus strand). Cytogenetic location: 15q13.1.
Variant type: Deletion.
Identifiers: ClinVar variation 2422772 (VCV002422772.4).

ClinVar aggregate classification (germline): Pathogenic (1 of 4 stars; one submission).

Submission:

Labcorp Genetics (formerly Invitae), Labcorp
Classification: Pathogenic. Last evaluated: 2022-09-22. Review status: criteria provided, single submitter. Criteria: Invitae Variant Classification Sherloc (09022015). Collection method: clinical testing. Allele origin: germline.
Comment: For these reasons, this variant has been classified as Pathogenic. This variant has not been reported in the literature in individuals affected with OCA2-related conditions. This variant is a gross deletion of the genomic region encompassing exon(s) 15 of the OCA2 gene. This deletion is out-of-frame, and is expected to create a premature termination codon and result in an absent or disrupted protein product. Loss-of-function variants in OCA2 are known to be pathogenic (PMID: 19865097, 21541274).

Literature cited by the submitters: PubMed 19865097; PubMed 21541274.